The following is an entry in ClinVar:

NM_005149.3(TBX19):c.369C>T (p.Tyr123=)

Gene: TBX19 (T-box transcription factor 19; plus strand). Cytogenetic location: 1q24.2.
Variant type: single nucleotide variant.
Coding change: c.369C>T on transcript NM_005149.3 (MANE Select); coding-DNA position 369, C replaced by T.
Protein change: p.Tyr123=; no amino-acid change (tyrosine 123 retained).
Molecular consequence: synonymous variant.
Genome position (GRCh38, 1-based): chr1:168,291,325, C>T. VCF-style: chr1-168291325-C-T. GRCh37 (hg19) VCF-style: chr1-168260563-C-T.
Other names: c.369C>T (NM_005149.2).
Identifiers: ClinVar variation 1598565 (VCV001598565.11), dbSNP rs112910251, ClinGen allele CA1230468.

ClinVar aggregate classification (germline): Benign/Likely benign. Review status: criteria provided, multiple submitters, no conflicts (2 of 4 stars). 3 submissions from 3 submitters: Benign (1); Likely benign (1). 1 of the submissions does not count toward it. Last evaluated 2026-01-13.

Conditions:
TBX19-related disorder. Also called: TBX19-related condition.

Allele frequency attached by ClinVar (database versions not stated): gnomAD exomes 0.00021 and 0.00053; ExAC 0.00063; 1000 Genomes Project 30x 0.00125; 1000 Genomes Project 0.00140; gnomAD 0.00210 and 0.00232; ESP Exome Variant Server 0.00231; TOPMed 0.00257.

Submissions (3):

Labcorp Genetics (formerly Invitae), Labcorp
Classification: Benign. Last evaluated: 2026-01-13. Review status: criteria provided, single submitter. Criteria: Invitae Variant Classification Sherloc (09022015). Collection method: clinical testing. Allele origin: germline.

Blueprint Genetics
Classification: Likely benign. Last evaluated: 2024-08-20. Review status: criteria provided, single submitter. Criteria: ACMG Guidelines, 2015. Collection method: clinical testing. Allele origin: germline.

PreventionGenetics, part of Exact Sciences
Classification: Likely benign for TBX19-related condition. Last evaluated: 2019-08-20. Review status: no assertion criteria provided. Collection method: clinical testing. Allele origin: germline. Not counted in ClinVar's aggregate classification.
Comment: This variant is classified as likely benign based on ACMG/AMP sequence variant interpretation guidelines (Richards et al. 2015 PMID: 25741868, with internal and published modifications).